The following is an entry in ClinVar:

NM_001258392.3(CLPB):c.797A>G (p.Asn266Ser)

Gene: CLPB (ClpB family mitochondrial disaggregase; minus strand). Cytogenetic location: 11q13.4.
Variant type: single nucleotide variant.
Coding change: c.797A>G on transcript NM_001258392.3 (MANE Select); coding-DNA position 797, A replaced by G.
Protein change: p.Asn266Ser; replaces asparagine 266 with serine.
Molecular consequence: missense variant.
Genome position (GRCh38, 1-based): chr11:72,329,783, T>C on the plus strand (A>G on the coding strand, the complement: CLPB is on the minus strand). VCF-style: chr11-72329783-T-C. GRCh37 (hg19) VCF-style: chr11-72040827-T-C.
Other names: c.710A>G, p.Asn237Ser (NM_001258393.3); c.752A>G, p.Asn251Ser (NM_001258394.3); c.887A>G, p.Asn296Ser (NM_030813.6); short protein forms N237S, N251S, N266S, N296S.
Identifiers: ClinVar variation 4536455 (VCV004536455.1).

ClinVar aggregate classification (germline): Uncertain significance (1 of 4 stars; one submission).

gnomAD v4.1: 2 of 1,613,554 alleles (0.00012%); highest among the groups gnomAD compares: Non-Finnish European, 0.000085%; no homozygotes.

Submission:

GeneDx
Classification: Uncertain significance. Last evaluated: 2025-06-05. Review status: criteria provided, single submitter. Criteria: GeneDx Variant Classification Process June 2021. Collection method: clinical testing. Allele origin: germline. Affected: yes.
Comment: Not observed at significant frequency in large population cohorts (gnomAD); In silico analysis supports that this missense variant has a deleterious effect on protein structure/function; Has not been previously published as pathogenic or benign to our knowledge